The following is an entry in ClinVar:

ClinVar aggregate classification (germline): Uncertain significance. Review status: criteria provided, multiple submitters, no conflicts (2 of 4 stars). 2 submissions from 2 submitters: Uncertain significance (2). Last evaluated 2023-12-11.

Conditions:
Charcot-Marie-Tooth disease recessive intermediate C. Also called: CHARCOT-MARIE-TOOTH NEUROPATHY, RECESSIVE INTERMEDIATE C. Identifiers: Orphanet 369867, MedGen C3809309, MONDO:0014154, OMIM 615376.
Neuronopathy, distal hereditary motor, autosomal recessive 4. Also called: Autosomal recessive lower motor neuron disease with childhood onset; NEUROPATHY, DISTAL HEREDITARY MOTOR, AUTOSOMAL RECESSIVE 4. Identifiers: Orphanet 206580, MedGen C1970211, MONDO:0012608, OMIM 611067.
Inborn genetic diseases. Identifiers: MedGen C0950123, MeSH D030342.

Allele frequency attached by ClinVar (database versions not stated): gnomAD exomes 0.00001 and 0.00002; TOPMed 0.00001; ExAC 0.00002; gnomAD 0.00002.
gnomAD v4.1: 19 of 1,614,006 alleles (0.0012%); highest among the groups gnomAD compares: South Asian, 0.0044%; no homozygotes.

Submissions (2):

Ambry Genetics
Classification: Uncertain significance for Inborn genetic diseases. Last evaluated: 2023-12-11. Review status: criteria provided, single submitter. Criteria: Ambry Variant Classification Scheme 2023. Collection method: clinical testing. Allele origin: germline.

Labcorp Genetics (formerly Invitae), Labcorp
Classification: Uncertain significance for Neuronopathy, distal hereditary motor, autosomal recessive 4; Charcot-Marie-Tooth disease recessive intermediate C. Last evaluated: 2022-08-03. Review status: criteria provided, single submitter. Criteria: Invitae Variant Classification Sherloc (09022015). Collection method: clinical testing. Allele origin: germline.
Comment: This sequence change replaces arginine, which is basic and polar, with cysteine, which is neutral and slightly polar, at codon 673 of the PLEKHG5 protein (p.Arg673Cys). This variant is present in population databases (rs747057331, gnomAD 0.006%). This variant has not been reported in the literature in individuals affected with PLEKHG5-related conditions. ClinVar contains an entry for this variant (Variation ID: 468899). Algorithms developed to predict the effect of missense changes on protein structure and function are either unavailable or do not agree on the potential impact of this missense change (SIFT: "Deleterious"; PolyPhen-2: "Probably Damaging"; Align-GVGD: "Class C0"). In summary, the available evidence is currently insufficient to determine the role of this variant in disease. Therefore, it has been classified as a Variant of Uncertain Significance.

NM_020631.6(PLEKHG5):c.2017C>T (p.Arg673Cys)

Gene: PLEKHG5 (pleckstrin homology and RhoGEF domain containing G5; minus strand). Cytogenetic location: 1p36.31.
Variant type: single nucleotide variant.
Coding change: c.2017C>T on transcript NM_020631.6 (MANE Select); coding-DNA position 2017, C replaced by T.
Protein change: p.Arg673Cys; replaces arginine 673 with cysteine.
Molecular consequence: missense variant.
Genome position (GRCh38, 1-based): chr1:6,469,367, G>A on the plus strand (C>T on the coding strand, the complement: PLEKHG5 is on the minus strand). VCF-style: chr1-6469367-G-A. GRCh37 (hg19) VCF-style: chr1-6529427-G-A.
Other names: c.2128C>T, p.Arg710Cys (NM_001042663.3, NM_001265592.2); c.2017C>T, p.Arg673Cys (NM_001042664.2, NM_001042665.2, NM_001265594.3 and 1 more transcripts); c.2224C>T, p.Arg742Cys (NM_001265593.2); short protein forms R673C, R742C, R710C.
Identifiers: ClinVar variation 468899 (VCV000468899.8), dbSNP rs747057331, ClinGen allele CA561284.